The following is an entry in ClinVar:

NM_006757.4(TNNT3):c.349C>T (p.Arg117Cys)

Gene: TNNT3 (troponin T3, fast skeletal type; plus strand). Cytogenetic location: 11p15.5.
Variant type: single nucleotide variant.
Coding change: c.349C>T on transcript NM_006757.4 (MANE Select); coding-DNA position 349, C replaced by T.
Protein change: p.Arg117Cys; replaces arginine 117 with cysteine.
Molecular consequence: missense variant.
Genome position (GRCh38, 1-based): chr11:1,933,991, C>T. VCF-style: chr11-1933991-C-T. GRCh37 (hg19) VCF-style: chr11-1955221-C-T.
Other names: c.349C>T (NM_006757.3); c.325C>T, p.Arg109Cys (NM_001042780.3, NM_001042782.3, NM_001297646.2 and 2 more transcripts); c.343C>T, p.Arg115Cys (NM_001042781.3, NM_001367842.1, NM_001367843.1); c.358C>T, p.Arg120Cys (NM_001363561.2, NM_001367847.1); c.382C>T, p.Arg128Cys (NM_001367846.1); c.346C>T, p.Arg116Cys (NM_001367848.1); c.337C>T, p.Arg113Cys (NM_001367849.1); c.292C>T, p.Arg98Cys (NM_001367850.1); and 1 more; short protein forms R109C, R113C, R115C, R116C, R120C, R128C, R49C, R98C.
Identifiers: ClinVar variation 1416957 (VCV001416957.7), dbSNP rs147447477, ClinGen allele CA5816443.

ClinVar aggregate classification (germline): Uncertain significance. Review status: criteria provided, multiple submitters, no conflicts (2 of 4 stars). 2 submissions from 2 submitters: Uncertain significance (2). Last evaluated 2025-12-25.

Conditions:
Inborn genetic diseases. Identifiers: MedGen C0950123, MeSH D030342.

Allele frequency attached by ClinVar (database versions not stated): gnomAD exomes 0.00002; ExAC 0.00004; ESP Exome Variant Server 0.00008.
gnomAD v4.1: 37 of 1,612,226 alleles (0.0023%); highest among the groups gnomAD compares: African/African-American, 0.036%; no homozygotes.

Submissions (2):

Labcorp Genetics (formerly Invitae), Labcorp
Classification: Uncertain significance. Last evaluated: 2025-12-25. Review status: criteria provided, single submitter. Criteria: Invitae Variant Classification Sherloc (09022015). Collection method: clinical testing. Allele origin: germline.
Comment: This sequence change replaces arginine, which is basic and polar, with cysteine, which is neutral and slightly polar, at codon 117 of the TNNT3 protein (p.Arg117Cys). This variant is present in population databases (rs147447477, gnomAD 0.03%). This variant has not been reported in the literature in individuals affected with TNNT3-related conditions. This missense change has been observed in at least one individual who was not affected with TNNT3-related conditions (internal data). ClinVar contains an entry for this variant (Variation ID: 1416957). An algorithm developed to predict the effect of missense changes on protein structure and function (PolyPhen-2) suggests that this variant is likely to be tolerated. In summary, the available evidence is currently insufficient to determine the role of this variant in disease. Therefore, it has been classified as a Variant of Uncertain Significance.

Ambry Genetics
Classification: Uncertain significance for Inborn genetic diseases. Last evaluated: 2024-08-27. Review status: criteria provided, single submitter. Criteria: Ambry Variant Classification Scheme 2023. Collection method: clinical testing. Allele origin: germline.